The following is an entry in ClinVar:

NM_014991.6(WDFY3):c.5170A>G (p.Lys1724Glu)

Gene: WDFY3 (WD repeat and FYVE domain containing 3; minus strand). Cytogenetic location: 4q21.23.
Variant type: single nucleotide variant.
Coding change: c.5170A>G on transcript NM_014991.6 (MANE Select); coding-DNA position 5170, A replaced by G.
Protein change: p.Lys1724Glu; replaces lysine 1724 with glutamic acid.
Molecular consequence: missense variant.
Genome position (GRCh38, 1-based): chr4:84,765,828, T>C on the plus strand (A>G on the coding strand, the complement: WDFY3 is on the minus strand). VCF-style: chr4-84765828-T-C. GRCh37 (hg19) VCF-style: chr4-85686981-T-C.
Other names: short protein forms K1724E.
Identifiers: ClinVar variation 3361573 (VCV003361573.1).

ClinVar aggregate classification (germline): Uncertain significance (1 of 4 stars; one submission).

Submission:

GeneDx
Classification: Uncertain significance. Last evaluated: 2023-07-24. Review status: criteria provided, single submitter. Criteria: GeneDx Variant Classification Process June 2021. Collection method: clinical testing. Allele origin: germline. Affected: yes.
Comment: Not observed at significant frequency in large population cohorts (gnomAD); In silico analysis supports that this missense variant does not alter protein structure/function; Has not been previously published as pathogenic or benign to our knowledge